The following is an entry in ClinVar:

NM_006269.2(RP1):c.2173_2174delinsG (p.Ile725fs)

Gene: RP1 (RP1 axonemal microtubule associated; plus strand). Cytogenetic location: 8q12.1.
Variant type: Indel.
Coding change: c.2173_2174delinsG on transcript NM_006269.2 (MANE Select); coding-DNA positions 2173 to 2174, AT replaced by G.
Protein change: p.Ile725fs; shifts the reading frame from isoleucine 725.
Molecular consequence: frameshift variant. On other transcripts: intron variant (1).
Genome position (GRCh38, 1-based): chr8:54,626,055-54,626,056, AT replaced by G. VCF-style: chr8-54626055-AT-G. GRCh37 (hg19) VCF-style: chr8-55538615-AT-G.
Other names: c.787+3767_787+3768delinsG (NM_001375654.1); short protein forms I725fs.
Identifiers: ClinVar variation 1701545 (VCV001701545.31), dbSNP rs2129316468, ClinGen allele CA2580078390.
Genomic context (GRCh38, chr8:54,626,055, plus strand): 5'-AAAGGTAGAATTACAAAGGAAATGATAGTGCAAGATTCAGATAGTCCCCTTAAAGGAGGG[AT>G]ACTTTGTGAGGAAGACCTCCAGAAAAGTGATACTGTAATTGAATCAAATACTTTTTGTTC-3'

ClinVar aggregate classification (germline): Likely pathogenic (1 of 4 stars; one submission).

Submission:

CeGaT Center for Human Genetics Tuebingen
Classification: Likely pathogenic. Last evaluated: 2024-01-01. Review status: criteria provided, single submitter. Criteria: CeGaT Center For Human Genetics Tuebingen Variant Classification Criteria Version 2. Collection method: clinical testing. Allele origin: germline. Affected: yes. Observed: 3 variant alleles.
Comment: RP1: PVS1:Strong, PM2, PS4:Moderate